The following is an entry in ClinVar:

NM_004484.4(GPC3):c.43C>A (p.Leu15Met)

Gene: GPC3 (glypican 3; minus strand). Cytogenetic location: Xq26.2.
Variant type: single nucleotide variant.
Coding change: c.43C>A on transcript NM_004484.4 (MANE Select); coding-DNA position 43, C replaced by A.
Protein change: p.Leu15Met; replaces leucine 15 with methionine.
Molecular consequence: missense variant.
Genome position (GRCh38, 1-based): chrX:133,985,407, G>T on the plus strand (C>A on the coding strand, the complement: GPC3 is on the minus strand). VCF-style: chrX-133985407-G-T. GRCh37 (hg19) VCF-style: chrX-133119434-G-T.
Other names: c.43C>A, p.Leu15Met (NM_001164617.2, NM_001164618.2, NM_001164619.2); short protein forms L15M.
Identifiers: ClinVar variation 932642 (VCV000932642.49), dbSNP rs1174879539, ClinGen allele CA414707162.

ClinVar aggregate classification (germline): Uncertain significance. Review status: criteria provided, multiple submitters, no conflicts (2 of 4 stars). 3 submissions from 3 submitters: Uncertain significance (3). Last evaluated 2024-01-14.

Conditions:
Wilms tumor 1 (WT1). Also called: Wilms tumor, somatic. Identifiers: Orphanet 654, MedGen CN033288, MONDO:0008679, OMIM 194070.

Submissions (3):

Clinical Genetics Laboratory, Skane University Hospital Lund
Classification: Uncertain significance. Last evaluated: 2024-01-14. Review status: criteria provided, single submitter. Criteria: ACMG Guidelines, 2015. Collection method: clinical testing. Allele origin: germline. Affected: yes.

CeGaT Center for Human Genetics Tuebingen
Classification: Uncertain significance. Last evaluated: 2023-08-01. Review status: criteria provided, single submitter. Criteria: CeGaT Center For Human Genetics Tuebingen Variant Classification Criteria Version 2. Collection method: clinical testing. Allele origin: germline. Affected: yes. Observed: 2 variant alleles.
Comment: GPC3: PM2, PP2

Labcorp Genetics (formerly Invitae), Labcorp
Classification: Uncertain significance for Wilms tumor 1. Last evaluated: 2022-07-18. Review status: criteria provided, single submitter. Criteria: Invitae Variant Classification Sherloc (09022015). Collection method: clinical testing. Allele origin: germline.
Comment: This sequence change replaces leucine, which is neutral and non-polar, with methionine, which is neutral and non-polar, at codon 15 of the GPC3 protein (p.Leu15Met). This variant is not present in population databases (gnomAD no frequency). This variant has not been reported in the literature in individuals affected with GPC3-related conditions. ClinVar contains an entry for this variant (Variation ID: 932642). In summary, the available evidence is currently insufficient to determine the role of this variant in disease. Therefore, it has been classified as a Variant of Uncertain Significance. Algorithms developed to predict the effect of missense changes on protein structure and function are either unavailable or do not agree on the potential impact of this missense change (SIFT: "Tolerated"; PolyPhen-2: "Probably Damaging"; Align-GVGD: "Class C0").